The following is an entry in ClinVar:

NM_006086.4(TUBB3):c.533C>T (p.Thr178Met)

Gene: TUBB3 (tubulin beta 3 class III; plus strand). Cytogenetic location: 16q24.3.
Variant type: single nucleotide variant.
Coding change: c.533C>T on transcript NM_006086.4 (MANE Select); coding-DNA position 533, C replaced by T.
Protein change: p.Thr178Met; replaces threonine 178 with methionine.
Molecular consequence: missense variant.
Genome position (GRCh38, 1-based): chr16:89,934,984, C>T. VCF-style: chr16-89934984-C-T. GRCh37 (hg19) VCF-style: chr16-90001392-C-T.
Other names: c.317C>T, p.Thr106Met (NM_001197181.2); short protein forms T106M, T178M.
Identifiers: ClinVar variation 265335 (VCV000265335.20), dbSNP rs747480526, ClinGen allele CA8256123.

ClinVar aggregate classification (germline): Pathogenic/Likely pathogenic. Review status: criteria provided, multiple submitters, no conflicts (2 of 4 stars). 8 submissions from 8 submitters: Pathogenic (6); Likely pathogenic (1). 1 of the submissions does not count toward it. Last evaluated 2025-09-10.

Conditions:
Inborn genetic diseases. Identifiers: MedGen C0950123, MeSH D030342.
Complex cortical dysplasia with other brain malformations 1. Identifiers: Orphanet 300570, MedGen C3808397, MONDO:0013541, OMIM 614039.
Fibrosis of extraocular muscles, congenital, 3A, with or without extraocular involvement. Also called: FEOM3 LOCUS; CONGENITAL FIBROSIS OF EXTRAOCULAR MUSCLES 3A. Identifiers: MedGen C2748801, MONDO:0010912, OMIM 600638.
TUBB3-related disorder. Also called: TUBB3-related disorders; TUBB3-related condition.

Allele frequency attached by ClinVar (database versions not stated): gnomAD exomes below 0.00001; ExAC 0.00001.

Submissions (8):

Genomic Medicine Center of Excellence, King Faisal Specialist Hospital and Research Centre
Classification: Pathogenic for Fibrosis of extraocular muscles, congenital, 3A, with or without extraocular involvement. Last evaluated: 2025-09-10. Review status: criteria provided, single submitter. Criteria: ACMG Guidelines, 2015. Collection method: clinical testing. Allele origin: germline.

Variantyx, Inc.
Classification: Pathogenic for Complex cortical dysplasia with other brain malformations 1. Last evaluated: 2025-06-16. Review status: criteria provided, single submitter. Criteria: Variantyx Assertion Criteria 2022. Collection method: clinical testing. Allele origin: de novo. Inheritance: Autosomal dominant inheritance. Affected: yes.
Comment: This is a nonsynonymous variant in the TUBB3 gene (OMIM: 602661). Pathogenic variants in this gene have been associated with autosomal dominant complex cortical dysplasia with other brain malformations 1. Functional studies have shown that this variant alters TUBB3 protein function (PMID: 20829227, 29382549, 34869359) (PS3), and multiple computational algorithms predict a deleterious effect for this variant (REVEL score: 0.785) (PP3). This variant is absent from control populations (PM2). Based on the current evidence, this variant is classified as pathogenic for autosomal dominant complex cortical dysplasia with other brain malformations 1.

PreventionGenetics, part of Exact Sciences
Classification: Pathogenic for TUBB3-related condition. Last evaluated: 2025-02-07. Review status: criteria provided, single submitter. Criteria: ACMG Guidelines, 2015. Collection method: clinical testing. Allele origin: germline.
Comment: The TUBB3 c.533C>T variant is predicted to result in the amino acid substitution p.Thr178Met. This variant was reported in patients with cortical malformations, cortical dysplasia and other neuronal migration defects (Poirier et al. 2010. PubMed ID: 20829227; reported as TUBB3 c.317C > T, p.Thr106Met in Strauss et al. 2017. PubMed ID: 28726809; Boissel et al. 2017. PubMed ID: 29261186; Dawidziuk et al. 2021. PubMed ID: 34946966) and the variant occurred de novo in the patients (Boissel et al. 2017. PubMed ID: 29261186; Dawidziuk et al. 2021. PubMed ID: 34946966). This variant is reported in 0.00088% of alleles in individuals of European (Non-Finnish) descent in gnomAD. This variant is interpreted as pathogenic.

Labcorp Genetics (formerly Invitae), Labcorp
Classification: Pathogenic. Last evaluated: 2025-01-20. Review status: criteria provided, single submitter. Criteria: Invitae Variant Classification Sherloc (09022015). Collection method: clinical testing. Allele origin: germline.
Comment: This sequence change replaces threonine, which is neutral and polar, with methionine, which is neutral and non-polar, at codon 178 of the TUBB3 protein (p.Thr178Met). The frequency data for this variant in the population databases is considered unreliable, as metrics indicate poor data quality at this position in the gnomAD database. This missense change has been observed in individual(s) with cortical dysplasia with other brain malformations (PMID: 20829227, 28726809, 29261186). In at least one individual the variant was observed to be de novo. ClinVar contains an entry for this variant (Variation ID: 265335). Invitae Evidence Modeling of protein sequence and biophysical properties (such as structural, functional, and spatial information, amino acid conservation, physicochemical variation, residue mobility, and thermodynamic stability) indicates that this missense variant is expected to disrupt TUBB3 protein function with a positive predictive value of 80%. Experimental studies have shown that this missense change affects TUBB3 function (PMID: 20829227, 29382549). For these reasons, this variant has been classified as Pathogenic.

GeneDx
Classification: Pathogenic. Last evaluated: 2022-08-01. Review status: criteria provided, single submitter. Criteria: GeneDx Variant Classification Process June 2021. Collection method: clinical testing. Allele origin: germline. Affected: yes.
Comment: Published functional studies suggest that T178M impacts the function of the protein (Poirier et al., 2010, Park et al., 2021); Not observed at a significant frequency in large population cohorts (gnomAD); Missense variants in this gene are often considered pathogenic (HGMD); In silico analysis supports that this missense variant has a deleterious effect on protein structure/function; This variant is associated with the following publications: (PMID: 26639658, 24860126, 21292473, 22669706, 26934450, 28726809, 29261186, 29382549, 31226147, 32169460, 20829227, 34869359)

Victorian Clinical Genetics Services, Murdoch Childrens Research Institute
Classification: Pathogenic for Complex cortical dysplasia with other brain malformations 1. Last evaluated: 2022-06-24. Review status: criteria provided, single submitter. Criteria: ACMG Guidelines, 2015. Collection method: clinical testing. Allele origin: germline. Inheritance: Autosomal dominant inheritance. Affected: yes.
Comment: Based on the classification scheme VCGS_Germline_v1.3.4, this variant is classified as Pathogenic. Following criteria are met: 0104 - Dominant negative is a known mechanism of disease in this gene and is associated with cortical dysplasia, complex, with other brain malformations 1 (MIM#614039) (PMID: 31219644). (I) 0107 - This gene is associated with autosomal dominant disease. (I) 0200 - Variant is predicted to result in a missense amino acid change from threonine to methionine. (I) 0251 - This variant is heterozygous. (I) 0302 - Variant is present in gnomAD (v2) <0.001 for a dominant condition (1 heterozygote, 0 homozygotes). (SP) 0502 - Missense variant with conflicting in silico predictions and uninformative conservation. (I) 0603 - Missense variant in a region that is highly intolerant to missense variation (high constraint region in DECIPHER). (SP) 0705 - No comparable missene variants have previous evidence for pathogenicity. (I) 0801 - This variant has strong previous evidence of pathogenicity in unrelated individuals. This variant has been reported in one de novo individual with malformation of the cortical development and another heterozygous individual with fetal brain malformation (PMID: 20829227, 34869359). It has also been reported as pathogenic, likely pathogenic and VUS in ClinVar. (SP) 0905 - No published segregation evidence has been identified for this variant. (I) 1001 - This variant has strong functional evidence supporting abnormal protein function. Functional studies using patient fibroblasts showed this variant reduced microtubule stablity (PMID: 20829227). (SP) Legend: (SP) - Supporting pathogenic, (I) - Information, (SB) - Supporting benign

Ambry Genetics
Classification: Likely pathogenic for Inborn genetic diseases. Last evaluated: 2017-11-09. Review status: criteria provided, single submitter. Criteria: Ambry exome assertion method (8-5-2015). Collection method: clinical testing. Allele origin: germline. Affected: yes. Observed: 1 variant allele.

OMIM
Classification: Pathogenic for CORTICAL DYSPLASIA, COMPLEX, WITH OTHER BRAIN MALFORMATIONS 1. Last evaluated: 2010-11-15. Review status: no assertion criteria provided. Collection method: literature only. Allele origin: germline. Not counted in ClinVar's aggregate classification.

Literature cited by the submitters: PubMed 20829227 (cited by 5 submitters); PubMed 34869359 (cited by Variantyx, Inc. and Victorian Clinical Genetics Services, Murdoch Childrens Research Institute); PubMed 29382549 (cited by Variantyx, Inc. and Labcorp Genetics (formerly Invitae), Labcorp); PubMed 28726809 (cited by Labcorp Genetics (formerly Invitae), Labcorp); PubMed 29261186 (cited by Labcorp Genetics (formerly Invitae), Labcorp); PubMed 31219644 (cited by Victorian Clinical Genetics Services, Murdoch Childrens Research Institute).